The following is an entry in ClinVar:

ClinVar aggregate classification (germline): Uncertain significance. Review status: reviewed by expert panel (3 of 4 stars). 2 submissions from 2 submitters: Uncertain significance (1). 1 of the submissions does not count toward it. Last evaluated 2025-09-02.

Conditions:
Monogenic diabetes. Identifiers: Orphanet 183625, MedGen C3888631, MONDO:0015967.

Submissions (2):

ClinGen Monogenic Diabetes Variant Curation Expert Panel
Classification: Uncertain significance for Monogenic diabetes. Last evaluated: 2025-09-02. Review status: reviewed by expert panel. Criteria: ClinGen Diabetes ACMG Specifications HNF1A V3.0.0. Collection method: curation. Allele origin: germline. Inheritance: Autosomal dominant inheritance.
Comment: The c.364T>C variant in the HNF1 homeobox A gene, HNF1A, causes an amino acid change of tyrosine to histidine at codon 122 (p.(Tyr122His)) of NM_000545.8. This variant is located within a conserved region of the DNA binding domain (codons 107-174 and 201-280) of HNF1A, which is defined as critical for the protein’s function by the ClinGen MDEP (PM1_Supporting). This variant is predicted to be deleterious by computational evidence, with a REVEL score of 0.971, which is greater than the MDEP VCEP threshold of 0.70 (PP3). This variant is absent from gnomAD v4.1.0 (PM2_Supporting). Another missense variant at the same codon, c.365A>G p.Tyr122Cys, has been classified as likely pathogenic by the ClinGen MDEP (PM5_Supporting). This variant was identified in an individual(s) with diabetes; however, the calculated MODY probability is <50%, and therefore, PP4 does not apply (internal lab contributors). In summary, c.364T>C meets the criteria to be classified as a variant of uncertain significance for monogenic diabetes. ACMG/AMP criteria applied, as specified by the ClinGen MDEP (specification version 3.0.0, approved 6/30/2025): PM1_Supporting, PM2_Supporting, PP3, PM5_Supporting.

Women's Health and Genetics/Laboratory Corporation of America, LabCorp
Classification: Uncertain significance. Last evaluated: 2026-02-10. Review status: criteria provided, single submitter. Criteria: LabCorp Variant Classification Summary - May 2015. Collection method: clinical testing. Allele origin: germline. Not counted in ClinVar's aggregate classification.
Comment: Variant summary: HNF1A c.364T>C (p.Tyr122His) results in a conservative amino acid change in the encoded protein sequence. Algorithms developed to predict the effect of missense changes on protein structure and function are either unavailable or do not agree on the potential impact of this missense change. The variant was absent in 251372 control chromosomes. c.364T>C has been observed in one individual affected with diabetes, late adolescence/adult-onset (Donath_2019). These data do not allow any conclusion about variant significance. A different variant affecting the same codon has been classified as likely pathogenic by our lab (c.365A>G, p.Tyr122Cys), supporting the critical relevance of codon 122 to HNF1A protein function. To our knowledge, no experimental evidence demonstrating an impact on protein function has been reported. The following publication have been ascertained in the context of this evaluation (PMID: 31291970). ClinVar contains an entry for this variant (Variation ID: 1676702). Based on the evidence outlined above, the variant was classified as VUS-possibly pathogenic.

Literature cited by the submitters: PubMed 31291970 (cited by Women's Health and Genetics/Laboratory Corporation of America, LabCorp).

NM_000545.8(HNF1A):c.364T>C (p.Tyr122His)

Gene: HNF1A (HNF1 homeobox A; plus strand). Cytogenetic location: 12q24.31.
Variant type: single nucleotide variant.
Coding change: c.364T>C on transcript NM_000545.8 (MANE Select); coding-DNA position 364, T replaced by C.
Protein change: p.Tyr122His; replaces tyrosine 122 with histidine.
Molecular consequence: missense variant.
Genome position (GRCh38, 1-based): chr12:120,988,870, T>C. VCF-style: chr12-120988870-T-C. GRCh37 (hg19) VCF-style: chr12-121426673-T-C.
Other names: NM_001306179.1:c.364T>C; c.364T>C, p.Tyr122His (NM_001306179.2); short protein forms Y122H.
Identifiers: ClinVar variation 1676702 (VCV001676702.5), dbSNP rs2135832520, ClinGen allele CA386959120.